The following is an entry in ClinVar:

GRCh38/hg38 17p11.2(chr17:16760817-20429770)x3

Genes: AKAP10 (A-kinase anchoring protein 10; minus strand), ALDH3A1 (aldehyde dehydrogenase 3 family member A1; minus strand), ALDH3A2 (aldehyde dehydrogenase 3 family member A2; plus strand), ALKBH5 (alkB homolog 5, RNA demethylase; plus strand), ATPAF2 (ATP synthase mitochondrial F1 complex assembly factor 2; minus strand) and 245 more. Cytogenetic location: 17p11.2.
Variant type: copy number gain.
Change: copy number 3 (three copies instead of two) of chr17:16,760,817-20,429,770 (3.67 Mb, GRCh38 coordinates, 1-based), cytogenetic band 17p11.2.
Identifiers: ClinVar variation 58127 (VCV000058127.2).

ClinVar aggregate classification (germline): Pathogenic (1 of 4 stars; one submission).

Submission:

ISCA Site 6
Classification: Pathogenic. Last evaluated: 2011-08-12. Review status: criteria provided, single submitter. Criteria: Kaminsky et al. (Genet Med. 2011). Collection method: clinical testing. Allele origin: unknown. Affected: yes. Observed: 1 variant allele.
Comment: Copy number variation identified through the course of routine clinical cytogenomic testing in postnatal populations. Clinical assertions have been curated as described in Kaminsky et al. 2011.